The following is an entry in ClinVar:

ClinVar aggregate classification (germline): Uncertain significance (1 of 4 stars; one submission).

Conditions:
Zellweger spectrum disorders (ZS). Also called: Zellweger Spectrum Disorder (ZSD); Zellweger syndrome; Zellweger Spectrum Disorder; Zellweger Spectrum. Identifiers: Orphanet 912, MedGen C0043459, MONDO:0019609.

Allele frequency attached by ClinVar (database versions not stated): gnomAD 0.00001; TOPMed 0.00002; ESP Exome Variant Server 0.00008.

Submission:

Labcorp Genetics (formerly Invitae), Labcorp
Classification: Uncertain significance for Zellweger spectrum disorders. Last evaluated: 2021-08-31. Review status: criteria provided, single submitter. Criteria: Invitae Variant Classification Sherloc (09022015). Collection method: clinical testing. Allele origin: germline.
Comment: This sequence change replaces isoleucine with valine at codon 153 of the PEX1 protein (p.Ile153Val). The isoleucine residue is moderately conserved and there is a small physicochemical difference between isoleucine and valine. This variant is not present in population databases (ExAC no frequency). This variant has not been reported in the literature in individuals affected with PEX1-related conditions. Algorithms developed to predict the effect of missense changes on protein structure and function output the following: SIFT: "Tolerated"; PolyPhen-2: "Benign"; Align-GVGD: "Class C0". The valine amino acid residue is found in multiple mammalian species, which suggests that this missense change does not adversely affect protein function. In summary, the available evidence is currently insufficient to determine the role of this variant in disease. Therefore, it has been classified as a Variant of Uncertain Significance.

NM_000466.3(PEX1):c.457A>G (p.Ile153Val)

Gene: PEX1 (peroxisomal biogenesis factor 1; minus strand). Cytogenetic location: 7q21.2.
Variant type: single nucleotide variant.
Coding change: c.457A>G on transcript NM_000466.3 (MANE Select); coding-DNA position 457, A replaced by G.
Protein change: p.Ile153Val; replaces isoleucine 153 with valine.
Molecular consequence: missense variant. On other transcripts: 5 prime UTR variant (1).
Genome position (GRCh38, 1-based): chr7:92,518,156, T>C on the plus strand (A>G on the coding strand, the complement: PEX1 is on the minus strand). VCF-style: chr7-92518156-T-C. GRCh37 (hg19) VCF-style: chr7-92147470-T-C.
Other names: c.457A>G, p.Ile153Val (NM_001282677.2); c.-168A>G (NM_001282678.2); short protein forms I153V.
Identifiers: ClinVar variation 962425 (VCV000962425.4), dbSNP rs200106153, ClinGen allele CA161974068.